The following is an entry in ClinVar:

NM_000383.4(AIRE):c.1400+1G>A

Gene: AIRE (autoimmune regulator; plus strand). Cytogenetic location: 21q22.3.
Variant type: single nucleotide variant.
Coding change: c.1400+1G>A on transcript NM_000383.4 (MANE Select); the canonical splice donor site of the intron after coding-DNA position 1400, G replaced by A.
Molecular consequence: splice donor variant.
Genome position (GRCh38, 1-based): chr21:44,293,911, G>A. VCF-style: chr21-44293911-G-A. GRCh37 (hg19) VCF-style: chr21-45713794-G-A.
Identifiers: ClinVar variation 1501432 (VCV001501432.8), dbSNP rs1469386000, ClinGen allele CA410425841.

ClinVar aggregate classification (germline): Likely pathogenic (1 of 4 stars; one submission).

Conditions:
Polyglandular autoimmune syndrome, type 1 (APS1). Also called: PGA I; Autoimmune polyendocrinopathy syndrome, type I; Autoimmune polyendocrinopathy syndrome , type I, with or without reversible metaphyseal dysplasia; HYPOADRENOCORTICISM WITH HYPOPARATHYROIDISM AND SUPERFICIAL MONILIASIS; Autoimmune polyendocrine syndrome type 1; AUTOIMMUNE POLYENDOCRINE SYNDROME, TYPE I, WITH OR WITHOUT REVERSIBLE METAPHYSEAL DYSPLASIA. Identifiers: Orphanet 3453, MedGen C0085859, MONDO:0009411, OMIM 240300.

Allele frequency attached by ClinVar (database versions not stated): gnomAD exomes below 0.00001; TOPMed 0.00002.
gnomAD v4.1: 1 of 1,596,400 alleles (0.000063%); highest among the groups gnomAD compares: East Asian, 0.0022%; no homozygotes.

Submission:

Labcorp Genetics (formerly Invitae), Labcorp
Classification: Likely pathogenic for Polyglandular autoimmune syndrome, type 1. Last evaluated: 2021-03-26. Review status: criteria provided, single submitter. Criteria: Invitae Variant Classification Sherloc (09022015). Collection method: clinical testing. Allele origin: germline.
Comment: In summary, the currently available evidence indicates that the variant is pathogenic, but additional data are needed to prove that conclusively. Therefore, this variant has been classified as Likely Pathogenic. Algorithms developed to predict the effect of sequence changes on RNA splicing suggest that this variant may disrupt the consensus splice site, but this prediction has not been confirmed by published transcriptional studies. This variant has been observed in individual(s) with clinical features of autosomal recessive AIRE-related conditions (PMID: 11524731). This variant is also known as IVS11+1G>A. This variant is not present in population databases (ExAC no frequency). This sequence change affects a donor splice site in intron 11 of the AIRE gene. It is expected to disrupt RNA splicing. Variants that disrupt the donor or acceptor splice site typically lead to a loss of protein function (PMID: 16199547), and loss-of-function variants in AIRE are known to be pathogenic (PMID: 11524731, 26141571).

Literature cited by the submitters: PubMed 11524731; PubMed 16199547; PubMed 26141571.